The following is an entry in ClinVar:

NM_198253.3(TERT):c.884C>G (p.Ser295Cys)

Gene: TERT (telomerase reverse transcriptase; minus strand). Cytogenetic location: 5p15.33.
Variant type: single nucleotide variant.
Coding change: c.884C>G on transcript NM_198253.3 (MANE Select); coding-DNA position 884, C replaced by G.
Protein change: p.Ser295Cys; replaces serine 295 with cysteine.
Molecular consequence: missense variant. On other transcripts: non-coding transcript variant (2).
Genome position (GRCh38, 1-based): chr5:1,294,002, G>C on the plus strand (C>G on the coding strand, the complement: TERT is on the minus strand). VCF-style: chr5-1294002-G-C. GRCh37 (hg19) VCF-style: chr5-1294117-G-C.
Other names: c.884C>G, p.Ser295Cys (NM_001193376.3, NM_003219.1); short protein forms S295C.
Identifiers: ClinVar variation 2133469 (VCV002133469.4), dbSNP rs2478418565, ClinGen allele CA359056318.
Genomic context (GRCh38, chr5:1,294,002, plus strand): 5'-CGTGGTGGCCGCGATGTGGATGGGGGGCCCGCGTGGTGCTGGCGGCCCACGGATGGGTGG[G>C]AGTGGCGCGTGCCAGAGAGCGCACCCTCCAAAGAGGTGGCTTCTTCGGCGGGTCTGGCAG-3'
Protein context (NP_937983.2, residues 285-305): LEGALSGTRH[Ser295Cys]HPSVGRQHHA

ClinVar aggregate classification (germline): Uncertain significance (1 of 4 stars; one submission).

Conditions:
Dyskeratosis congenita, autosomal dominant 2. Identifiers: MedGen C3151443, MONDO:0013521, OMIM 613989.
Idiopathic Pulmonary Fibrosis. Also called: Idiopathic fibrosing alveolitis, chronic form; idiopathic fibrosing alveolitis. Identifiers: Orphanet 2032, MedGen C1800706, MeSH D054990, MONDO:0800504.

Submission:

Labcorp Genetics (formerly Invitae), Labcorp
Classification: Uncertain significance for Dyskeratosis congenita, autosomal dominant 2; Idiopathic Pulmonary Fibrosis. Last evaluated: 2022-05-12. Review status: criteria provided, single submitter. Criteria: Invitae Variant Classification Sherloc (09022015). Collection method: clinical testing. Allele origin: germline.
Comment: Advanced modeling of protein sequence and biophysical properties (such as structural, functional, and spatial information, amino acid conservation, physicochemical variation, residue mobility, and thermodynamic stability) performed at Invitae indicates that this missense variant is not expected to disrupt TERT protein function. In summary, the available evidence is currently insufficient to determine the role of this variant in disease. Therefore, it has been classified as a Variant of Uncertain Significance. This variant has not been reported in the literature in individuals affected with TERT-related conditions. This variant is not present in population databases (gnomAD no frequency). This sequence change replaces serine, which is neutral and polar, with cysteine, which is neutral and slightly polar, at codon 295 of the TERT protein (p.Ser295Cys).